The following is an entry in ClinVar:

ClinVar aggregate classification (germline): Uncertain significance (1 of 4 stars; one submission).

gnomAD v4.1: 4 of 1,613,994 alleles (0.00025%); highest among the groups gnomAD compares: Non-Finnish European, 0.00034%; no homozygotes.

Submission:

Labcorp Genetics (formerly Invitae), Labcorp
Classification: Uncertain significance. Last evaluated: 2022-08-07. Review status: criteria provided, single submitter. Criteria: Invitae Variant Classification Sherloc (09022015). Collection method: clinical testing. Allele origin: germline.
Comment: In summary, the available evidence is currently insufficient to determine the role of this variant in disease. Therefore, it has been classified as a Variant of Uncertain Significance. Algorithms developed to predict the effect of missense changes on protein structure and function are either unavailable or do not agree on the potential impact of this missense change (SIFT: "Deleterious"; PolyPhen-2: "Benign"; Align-GVGD: "Class C55"). This variant has not been reported in the literature in individuals affected with SCP2-related conditions. This variant is not present in population databases (gnomAD no frequency). This sequence change replaces threonine, which is neutral and polar, with serine, which is neutral and polar, at codon 315 of the SCP2 protein (p.Thr315Ser).

NM_002979.5(SCP2):c.944C>G (p.Thr315Ser)

Gene: SCP2 (sterol carrier protein 2; plus strand). Cytogenetic location: 1p32.3.
Variant type: single nucleotide variant.
Coding change: c.944C>G on transcript NM_002979.5 (MANE Select); coding-DNA position 944, C replaced by G.
Protein change: p.Thr315Ser; replaces threonine 315 with serine.
Molecular consequence: missense variant.
Genome position (GRCh38, 1-based): chr1:52,980,514, C>G. VCF-style: chr1-52980514-C-G. GRCh37 (hg19) VCF-style: chr1-53446186-C-G.
Other names: c.812C>G, p.Thr271Ser (NM_001007098.3, NM_001193600.2); c.872C>G, p.Thr291Ser (NM_001193599.2); c.701C>G, p.Thr234Ser (NM_001193617.2); c.944C>G, p.Thr315Ser (NM_001330587.2); short protein forms T234S, T291S, T271S, T315S.
Identifiers: ClinVar variation 1936624 (VCV001936624.5), dbSNP rs1369786145, ClinGen allele CA340382467.
Genomic context (GRCh38, chr1:52,980,514, plus strand): 5'-CACCAAATGATATTGACGTAATAGAACTTCACGATTGCTTTTCTACCAACGAACTCCTTA[C>G]TTATGAAGCACTGGGACTCTGTCCAGAAGGTAACATCTTTGAATAGGGCAGATTAATTCA-3'
Protein context (NP_002970.2, residues 305-325): HDCFSTNELL[Thr315Ser]YEALGLCPEG